The following is an entry in ClinVar:

ClinVar aggregate classification (germline): Uncertain significance (1 of 4 stars; one submission).

Submission:

Labcorp Genetics (formerly Invitae), Labcorp
Classification: Uncertain significance. Last evaluated: 2024-02-23. Review status: criteria provided, single submitter. Criteria: Invitae Variant Classification Sherloc (09022015). Collection method: clinical testing. Allele origin: germline.
Comment: This sequence change replaces glycine, which is neutral and non-polar, with aspartic acid, which is acidic and polar, at codon 555 of the FBXO11 protein (p.Gly555Asp). This variant is not present in population databases (gnomAD no frequency). This variant has not been reported in the literature in individuals affected with FBXO11-related conditions. ClinVar contains an entry for this variant (Variation ID: 1362949). An algorithm developed to predict the effect of missense changes on protein structure and function (PolyPhen-2) suggests that this variant is likely to be disruptive. In summary, the available evidence is currently insufficient to determine the role of this variant in disease. Therefore, it has been classified as a Variant of Uncertain Significance.

NM_001190274.2(FBXO11):c.1664G>A (p.Gly555Asp)

Gene: FBXO11 (F-box protein 11; minus strand). Cytogenetic location: 2p16.3.
Variant type: single nucleotide variant.
Coding change: c.1664G>A on transcript NM_001190274.2 (MANE Select); coding-DNA position 1664, G replaced by A.
Protein change: p.Gly555Asp; replaces glycine 555 with aspartic acid.
Molecular consequence: missense variant.
Genome position (GRCh38, 1-based): chr2:47,822,256, C>T on the plus strand (G>A on the coding strand, the complement: FBXO11 is on the minus strand). VCF-style: chr2-47822256-C-T. GRCh37 (hg19) VCF-style: chr2-48049395-C-T.
Other names: c.1412G>A, p.Gly471Asp (NM_001374325.1, NM_025133.4); short protein forms G471D, G555D.
Identifiers: ClinVar variation 1362949 (VCV001362949.8), dbSNP rs2104731886, ClinGen allele CA346764514.